The following is an entry in ClinVar:

ClinVar aggregate classification (germline): Likely benign (0 of 4 stars; one submission).

Conditions:
ADCY3-related disorder. Also called: ADCY3-related condition.

gnomAD v4.1: 3 of 1,588,686 alleles (0.00019%); highest among the groups gnomAD compares: African/African-American, 0.004%; no homozygotes.

Submission:

PreventionGenetics, part of Exact Sciences
Classification: Likely benign for ADCY3-related condition. Last evaluated: 2024-04-11. Review status: no assertion criteria provided. Collection method: clinical testing. Allele origin: germline.
Comment: This variant is classified as likely benign based on ACMG/AMP sequence variant interpretation guidelines (Richards et al. 2015 PMID: 25741868, with internal and published modifications).

NM_004036.5(ADCY3):c.642G>A (p.Gln214=)

Gene: ADCY3 (adenylate cyclase 3; minus strand). Cytogenetic location: 2p23.3.
Variant type: single nucleotide variant.
Coding change: c.642G>A on transcript NM_004036.5 (MANE Select); coding-DNA position 642, G replaced by A.
Protein change: p.Gln214=; no amino-acid change (glutamine 214 retained).
Molecular consequence: synonymous variant.
Genome position (GRCh38, 1-based): chr2:24,918,346, C>T on the plus strand (G>A on the coding strand, the complement: ADCY3 is on the minus strand). VCF-style: chr2-24918346-C-T. GRCh37 (hg19) VCF-style: chr2-25141215-C-T.
Other names: c.642G>A, p.Gln214= (NM_001320613.2, NM_001377128.1, NM_001377129.1 and 2 more transcripts).
Identifiers: ClinVar variation 3357642 (VCV003357642.1).